The following is an entry in ClinVar:

NM_030962.4(SBF2):c.4156-46C>T

Genes: SBF2 (SET binding factor 2; minus strand), SBF2-AS1 (SBF2 antisense RNA 1; plus strand). Cytogenetic location: 11p15.4.
Variant type: single nucleotide variant.
Coding change: c.4156-46C>T on transcript NM_030962.4 (MANE Select); 46 bases into the intron before coding-DNA position 4156, C replaced by T.
Molecular consequence: intron variant. On other transcripts: non-coding transcript variant (1).
Genome position (GRCh38, 1-based): chr11:9,809,048, G>A on the plus strand (C>T on the coding strand, the complement: SBF2 is on the minus strand). VCF-style: chr11-9809048-G-A. GRCh37 (hg19) VCF-style: chr11-9830595-G-A.
Other names: c.4027-46C>T (NM_001386342.1); c.4252-46C>T (NM_001386339.1).
Identifiers: ClinVar variation 670563 (VCV000670563.4), dbSNP rs11042500, ClinGen allele CA5881043.

ClinVar aggregate classification (germline): Benign. Review status: criteria provided, multiple submitters, no conflicts (2 of 4 stars). 3 submissions from 3 submitters: Benign (3). Last evaluated 2021-11-07.

Conditions:
Charcot-Marie-Tooth disease type 4B2. Also called: CHARCOT-MARIE-TOOTH DISEASE, WITH FOCALLY FOLDED MYELIN SHEATHS, AUTOSOMAL RECESSIVE, TYPE 4B2; CHARCOT-MARIE-TOOTH DISEASE, DEMYELINATING, TYPE 4B2; Charcot-Marie-Tooth Neuropathy Type 4B2; CMT 4B2. Identifiers: Orphanet 99956, MedGen C1858278, MONDO:0011475, OMIM 604563.

Allele frequency attached by ClinVar (database versions not stated): 1000 Genomes Project 0.25479; 1000 Genomes Project 30x 0.25547; TOPMed 0.40137; gnomAD exomes 0.42729; ExAC 0.42738; gnomAD 0.42760 and 0.43551; ESP Exome Variant Server 0.44950.
gnomAD v4.1: 732,565 of 1,459,488 alleles (50%); highest among the groups gnomAD compares: Non-Finnish European, 56%; 196,670 homozygotes.

Submissions (3):

Genome-Nilou Lab
Classification: Benign for Charcot-Marie-Tooth disease type 4B2. Last evaluated: 2021-11-07. Review status: criteria provided, single submitter. Criteria: ACMG Guidelines, 2015. Collection method: clinical testing. Allele origin: germline. Affected: no.

GeneDx
Classification: Benign. Last evaluated: 2018-06-14. Review status: criteria provided, single submitter. Criteria: GeneDx Variant Classification (06012015). Collection method: clinical testing. Allele origin: germline. Affected: yes.
Comment: This variant is considered likely benign or benign based on one or more of the following criteria: it is a conservative change, it occurs at a poorly conserved position in the protein, it is predicted to be benign by multiple in silico algorithms, and/or has population frequency not consistent with disease.

Breakthrough Genomics
Classification: Benign. Review status: criteria provided, single submitter. Criteria: ACMG Guidelines, 2015. Collection method: not provided. Allele origin: germline. Inheritance: Autosomal recessive inheritance. Affected: yes.